The following is an entry in ClinVar:

ClinVar aggregate classification (germline): Likely benign (1 of 4 stars; one submission).

Allele frequency attached by ClinVar (database versions not stated): gnomAD exomes below 0.00001.
gnomAD v4.1: 1 of 1,594,602 alleles (0.000063%); highest among the groups gnomAD compares: Non-Finnish European, 0.000085%; no homozygotes.

Submission:

GeneDx
Classification: Likely benign. Last evaluated: 2016-08-03. Review status: criteria provided, single submitter. Criteria: GeneDx Variant Classification (06012015). Collection method: clinical testing. Allele origin: germline. Affected: yes.
Comment: This variant is considered likely benign or benign based on one or more of the following criteria: it is a conservative change, it occurs at a poorly conserved position in the protein, it is predicted to be benign by multiple in silico algorithms, and/or has population frequency not consistent with disease.

NM_004408.4(DNM1):c.612C>T (p.Ile204=)

Gene: DNM1 (dynamin 1; plus strand). Cytogenetic location: 9q34.11.
Variant type: single nucleotide variant.
Coding change: c.612C>T on transcript NM_004408.4 (MANE Select); coding-DNA position 612, C replaced by T.
Protein change: p.Ile204=; no amino-acid change (isoleucine 204 retained).
Molecular consequence: synonymous variant.
Genome position (GRCh38, 1-based): chr9:128,220,010, C>T. VCF-style: chr9-128220010-C-T. GRCh37 (hg19) VCF-style: chr9-130982289-C-T.
Other names: c.612C>T, p.Ile204= (NM_001005336.3, NM_001288737.2, NM_001288738.2 and 1 more transcripts).
Identifiers: ClinVar variation 388121 (VCV000388121.1), dbSNP rs1057523005, ClinGen allele CA16605487.